The following is an entry in ClinVar:

NM_001376571.1(MADD):c.1469+14G>A

Gene: MADD (MAP kinase activating death domain; plus strand). Cytogenetic location: 11p11.2.
Variant type: single nucleotide variant.
Coding change: c.1469+14G>A on transcript NM_001376571.1 (MANE Select); 14 bases into the intron after coding-DNA position 1469, G replaced by A.
Molecular consequence: intron variant.
Genome position (GRCh38, 1-based): chr11:47,281,767, G>A. VCF-style: chr11-47281767-G-A. GRCh37 (hg19) VCF-style: chr11-47303318-G-A.
Other names: c.1469+14G>A (NM_001376651.1, NM_130470.3, NM_001376641.1 and 80 more transcripts); c.1265+14G>A (NM_001376648.1, NM_001376620.1, NM_001376626.1 and 9 more transcripts); c.803+14G>A (NM_001376663.1).
Identifiers: ClinVar variation 1683540 (VCV001683540.3), dbSNP rs187104764, ClinGen allele CA221690409.

ClinVar aggregate classification (germline): Uncertain significance (1 of 4 stars; one submission).

Conditions:
Neurodevelopmental disorder with dysmorphic facies, impaired speech, and hypotonia. Identifiers: MedGen C5436585, MONDO:0033562, OMIM 619005.
Deeah syndrome. Also called: DEVELOPMENTAL DELAY WITH ENDOCRINE, EXOCRINE, AUTONOMIC, AND HEMATOLOGIC ABNORMALITIES. Identifiers: Orphanet 686495, MedGen C5436579, MONDO:0033561, OMIM 619004.

Allele frequency attached by ClinVar (database versions not stated): gnomAD 0.00002 and 0.00001; gnomAD exomes 0.00002; TOPMed 0.00002; 1000 Genomes Project 30x 0.00016; 1000 Genomes Project 0.00020.
gnomAD v4.1: 28 of 1,574,800 alleles (0.0018%); highest among the groups gnomAD compares: Admixed American, 0.0069%; no homozygotes.

Submission:

Laboratorio de Genetica e Diagnostico Molecular, Hospital Israelita Albert Einstein
Classification: Uncertain significance for Deeah syndrome; Neurodevelopmental disorder with dysmorphic facies, impaired speech, and hypotonia. Last evaluated: 2022-01-15. Review status: criteria provided, single submitter. Criteria: ACMG Guidelines, 2015. Collection method: clinical testing. Allele origin: germline. Affected: yes.
Comment: ACMG classification criteria: PM2 moderate